The following is an entry in ClinVar:

ClinVar aggregate classification (germline): Benign/Likely benign. Review status: criteria provided, multiple submitters, no conflicts (2 of 4 stars). 7 submissions from 7 submitters: Benign (6); Likely benign (1). Last evaluated 2026-05-11.

Conditions:
Connective tissue disorder. Also called: Connective tissue disease. Identifiers: MedGen C0009782, MONDO:0003900.
Multiple epiphyseal dysplasia type 5 (EDM5). Also called: MATN3-Related Multiple Epiphyseal Dysplasia; Microepiphyseal dysplasia, bilateral hereditary. Identifiers: Orphanet 93311, MedGen C1846843, MONDO:0011765, OMIM 607078.

Allele frequency attached by ClinVar (database versions not stated): TOPMed 0.01779; gnomAD 0.01868 and 0.01947; ExAC 0.03091; gnomAD exomes 0.02267 and 0.02764; ESP Exome Variant Server 0.02112; 1000 Genomes Project 30x 0.01405; 1000 Genomes Project 0.01438.

Submissions (7):

Women's Health and Genetics/Laboratory Corporation of America, LabCorp
Classification: Likely benign. Last evaluated: 2026-05-11. Review status: criteria provided, single submitter. Criteria: LabCorp Variant Classification Summary - May 2015. Collection method: clinical testing. Allele origin: germline.

Labcorp Genetics (formerly Invitae), Labcorp
Classification: Benign. Last evaluated: 2026-01-26. Review status: criteria provided, single submitter. Criteria: Invitae Variant Classification Sherloc (09022015). Collection method: clinical testing. Allele origin: germline.

Genome Diagnostics Laboratory, The Hospital for Sick Children
Classification: Benign for Connective tissue disorder. Last evaluated: 2022-05-12. Review status: criteria provided, single submitter. Criteria: ACMG Guidelines, 2015. Collection method: clinical testing. Allele origin: germline.

Illumina Laboratory Services, Illumina
Classification: Benign for Multiple epiphyseal dysplasia type 5. Last evaluated: 2018-01-13. Review status: criteria provided, single submitter. Criteria: ICSL Variant Classification Criteria 13 December 2019. Collection method: clinical testing. Allele origin: germline.
Comment: This variant was observed in the ICSL laboratory as part of a predisposition screen in an ostensibly healthy population. It had not been previously curated by ICSL or reported in the Human Gene Mutation Database (HGMD: prior to June 1st, 2018), and was therefore a candidate for classification through an automated scoring system. Utilizing variant allele frequency, disease prevalence and penetrance estimates, and inheritance mode, an automated score was calculated to assess if this variant is too frequent to cause the disease. Based on the score and internal cut-off values, a variant classified as benign is not then subjected to further curation. The score for this variant resulted in a classification of benign for this disease.

Eurofins Ntd Llc (ga)
Classification: Benign. Last evaluated: 2017-10-06. Review status: criteria provided, single submitter. Criteria: EGL Classification Definitions 2015. Collection method: clinical testing. Allele origin: germline. Observed: 1 variant allele, 1 heterozygote.

Breakthrough Genomics
Classification: Benign. Review status: criteria provided, single submitter. Criteria: ACMG Guidelines, 2015. Collection method: not provided. Allele origin: germline. Inheritance: Other. Affected: yes.

PreventionGenetics, part of Exact Sciences
Classification: Benign. Review status: criteria provided, single submitter. Criteria: ACMG Guidelines, 2015. Collection method: clinical testing. Allele origin: germline.

Literature cited by the submitters: PubMed 28146470 (cited by Eurofins Ntd Llc (ga)).

NM_002381.5(MATN3):c.754G>A (p.Glu252Lys)

Gene: MATN3 (matrilin 3; minus strand). Cytogenetic location: 2p24.1.
Variant type: single nucleotide variant.
Coding change: c.754G>A on transcript NM_002381.5 (MANE Select); coding-DNA position 754, G replaced by A.
Protein change: p.Glu252Lys; replaces glutamic acid 252 with lysine.
Molecular consequence: missense variant.
Genome position (GRCh38, 1-based): chr2:20,005,780, C>T on the plus strand (G>A on the coding strand, the complement: MATN3 is on the minus strand). VCF-style: chr2-20005780-C-T. GRCh37 (hg19) VCF-style: chr2-20205541-C-T.
Other names: short protein forms E252K.
Identifiers: ClinVar variation 258648 (VCV000258648.23), dbSNP rs52826764, ClinGen allele CA1543911.